The following is an entry in ClinVar:

NM_007215.4(POLG2):c.1144A>G (p.Lys382Glu)

Genes: MILR1 (mast cell immunoglobulin like receptor 1; plus strand), POLG2 (DNA polymerase gamma 2, accessory subunit; minus strand). Cytogenetic location: 17q23.3.
Variant type: single nucleotide variant.
Coding change: c.1144A>G on transcript NM_007215.4 (MANE Select); coding-DNA position 1144, A replaced by G.
Protein change: p.Lys382Glu; replaces lysine 382 with glutamic acid.
Molecular consequence: missense variant.
Genome position (GRCh38, 1-based): chr17:64,482,966, T>C on the plus strand (A>G on the coding strand, the complement: POLG2 is on the minus strand). VCF-style: chr17-64482966-T-C. GRCh37 (hg19) VCF-style: chr17-62479083-T-C.
Other names: short protein forms K382E.
Identifiers: ClinVar variation 1319050 (VCV001319050.3), dbSNP rs1418417668, ClinGen allele CA400637052.

ClinVar aggregate classification (germline): Uncertain significance (1 of 4 stars; one submission).

Allele frequency attached by ClinVar (database versions not stated): gnomAD 0.00001; TOPMed 0.00001.
gnomAD v4.1: 2 of 1,606,984 alleles (0.00012%); highest among the groups gnomAD compares: African/African-American, 0.0027%; no homozygotes.

Submission:

GeneDx
Classification: Uncertain significance. Last evaluated: 2024-02-16. Review status: criteria provided, single submitter. Criteria: GeneDx Variant Classification Process June 2021. Collection method: clinical testing. Allele origin: germline. Affected: yes.
Comment: Not observed at significant frequency in large population cohorts (gnomAD); In silico analysis, which includes protein predictors and evolutionary conservation, supports a deleterious effect; Has not been previously published as pathogenic or benign to our knowledge